The following is an entry in ClinVar:

NM_000466.3(PEX1):c.2744T>C (p.Ile915Thr)

Gene: PEX1 (peroxisomal biogenesis factor 1; minus strand). Cytogenetic location: 7q21.2.
Variant type: single nucleotide variant.
Coding change: c.2744T>C on transcript NM_000466.3 (MANE Select); coding-DNA position 2744, T replaced by C.
Protein change: p.Ile915Thr; replaces isoleucine 915 with threonine.
Molecular consequence: missense variant.
Genome position (GRCh38, 1-based): chr7:92,496,752, A>G on the plus strand (T>C on the coding strand, the complement: PEX1 is on the minus strand). VCF-style: chr7-92496752-A-G. GRCh37 (hg19) VCF-style: chr7-92126066-A-G.
Other names: c.2573T>C, p.Ile858Thr (NM_001282677.2); c.2120T>C, p.Ile707Thr (NM_001282678.2); short protein forms I707T, I858T, I915T.
Identifiers: ClinVar variation 977301 (VCV000977301.4), dbSNP rs757305859, ClinGen allele CA4341026.

ClinVar aggregate classification (germline): Uncertain significance. Review status: criteria provided, multiple submitters, no conflicts (2 of 4 stars). 2 submissions from 2 submitters: Uncertain significance (2). Last evaluated 2022-08-16.

Conditions:
Very long chain fatty acid accumulation. Identifiers: MedGen C3279397, HP:0008167.
Penile hypospadias. Identifiers: MedGen C1691215, HP:0003244.
Seizure. Also called: Seizures. Identifiers: MedGen C0036572, HP:0001250.
Polymicrogyria. Identifiers: Orphanet 35981, MedGen C0266464, MONDO:0000087, HP:0002126.
Global developmental delay (DD). Also called: Cognitive delay. Identifiers: MedGen C0557874, HP:0001263. Disease mechanism: loss of function.
Zellweger spectrum disorders (ZS). Also called: Zellweger Spectrum Disorder; Zellweger Spectrum; Zellweger syndrome; Zellweger Spectrum Disorder (ZSD). Identifiers: Orphanet 912, MedGen C0043459, MONDO:0019609.

Allele frequency attached by ClinVar (database versions not stated): gnomAD 0.00001 and 0.00002; gnomAD exomes 0.00001 and 0.00002; ExAC 0.00002; TOPMed 0.00002.
gnomAD v4.1: 17 of 1,610,138 alleles (0.0011%); highest among the groups gnomAD compares: Middle Eastern, 0.017%; no homozygotes.

Submissions (2):

Labcorp Genetics (formerly Invitae), Labcorp
Classification: Uncertain significance for Zellweger spectrum disorders. Last evaluated: 2022-08-16. Review status: criteria provided, single submitter. Criteria: Invitae Variant Classification Sherloc (09022015). Collection method: clinical testing. Allele origin: germline.
Comment: This sequence change replaces isoleucine, which is neutral and non-polar, with threonine, which is neutral and polar, at codon 915 of the PEX1 protein (p.Ile915Thr). This variant is present in population databases (rs757305859, gnomAD 0.003%). This variant has not been reported in the literature in individuals affected with PEX1-related conditions. ClinVar contains an entry for this variant (Variation ID: 977301). Algorithms developed to predict the effect of missense changes on protein structure and function (SIFT, PolyPhen-2, Align-GVGD) all suggest that this variant is likely to be disruptive. In summary, the available evidence is currently insufficient to determine the role of this variant in disease. Therefore, it has been classified as a Variant of Uncertain Significance.

Institute for Medical Genetics and Human Genetics, Charité - Universitätsmedizin Berlin
Classification: Uncertain significance. Review status: criteria provided, single submitter. Criteria: ACMG Guidelines, 2015. Collection method: clinical testing. Allele origin: germline. Inheritance: Autosomal recessive inheritance. Affected: yes. Observed: 1 homozygote.
Comment: We could detect the homozygous change c.2744T>C in the PEX1 gene. The sequence change leads on the protein level to the exchange of the highly conserved amino acid isoleucine to threonine at position 915. Prediction programs classify the amino acid exchange predominantly as pathogenic. The sequence change is listed in the gnomAD database 5x in heterozygous state (allele frequency of 0.002%). Bi-allelic pathogenic sequence changes in the PEX1 gene have been described as the cause of the peroxisome biogenesis-defective Zellweger syndrome spectrum (PBD-ZSS) (MIM, #602136). This is a group of autosomal recessive disorders with impaired formation of functional peroxisomes. The metabolic disorder leads to the accumulation of neurotoxic, very long-chain fatty acids (VLCFAs). Symptoms include neonatal seizures, muscle hypotension, characteristic craniofacial features (flattened facies, broad nasal bridge), liver dysfunction, sensorineural hearing loss, retinal dystrophy, developmental delays and leukodystrophy. Peroxisome biogenesis defects represent an important differential diagnosis to acyl-CoA oxidase deficiency and cannot be clinically clearly distinguished from each other (GeneReviews). According to current knowledge, we classify the above sequence variant in the PEX1 gene as a variant of unclear significance (class III).